The following is an entry in ClinVar:

NM_004364.5(CEBPA):c.205G>A (p.Asp69Asn)

Gene: CEBPA (CCAAT enhancer binding protein alpha; minus strand). Cytogenetic location: 19q13.11.
Variant type: single nucleotide variant.
Coding change: c.205G>A on transcript NM_004364.5 (MANE Select); coding-DNA position 205, G replaced by A.
Protein change: p.Asp69Asn; replaces aspartic acid 69 with asparagine.
Molecular consequence: missense variant. On other transcripts: 5 prime UTR variant (1).
Genome position (GRCh38, 1-based): chr19:33,302,210, C>T on the plus strand (G>A on the coding strand, the complement: CEBPA is on the minus strand). VCF-style: chr19-33302210-C-T. GRCh37 (hg19) VCF-style: chr19-33793116-C-T.
Other names: c.-153G>A (NM_001285829.2); c.310G>A, p.Asp104Asn (NM_001287424.2); c.163G>A, p.Asp55Asn (NM_001287435.2); short protein forms D104N, D55N, D69N.
Identifiers: ClinVar variation 2574486 (VCV002574486.1), dbSNP rs1470985645, ClinGen allele CA405275453.
Genomic context (GRCh38, chr19:33,302,210, plus strand): 5'-CCTGCTGCCGGCTGTGCTGGAACAGGTCGGCCAGGAACTCGTCGTTGAAGGCGGCCGGGT[C>T]GATGTAGGCGCTGATGTCGATGGACGTCTCGTGCTCGCAGATGCCGCCCAGCGGCTCCGG-3'
Protein context (NP_004355.2, residues 59-79): ETSIDISAYI[Asp69Asn]PAAFNDEFLA

ClinVar aggregate classification (germline): Uncertain significance (1 of 4 stars; one submission).

Submission:

GeneDx
Classification: Uncertain significance. Last evaluated: 2023-01-27. Review status: criteria provided, single submitter. Criteria: GeneDx Variant Classification Process June 2021. Collection method: clinical testing. Allele origin: germline. Affected: yes.
Comment: Not observed at significant frequency in large population cohorts (gnomAD); In silico analysis supports that this missense variant does not alter protein structure/function; Has not been previously published as pathogenic or benign to our knowledge